The following is an entry in ClinVar:

ClinVar aggregate classification (germline): Conflicting classifications of pathogenicity. Review status: criteria provided, conflicting classifications (1 of 4 stars). 2 submissions from 2 submitters: Uncertain significance (1); Likely benign (1). Last evaluated 2025-03-31.

Conditions:
Megalencephalic leukoencephalopathy with subcortical cysts 2A. Identifiers: Orphanet 2478, MedGen C3151355, MONDO:0013490, OMIM 613925.

Allele frequency attached by ClinVar (database versions not stated): gnomAD exomes 0.00012; ExAC 0.00014; 1000 Genomes Project 0.00040; ESP Exome Variant Server 0.00046; 1000 Genomes Project 30x 0.00047; gnomAD 0.00048 and 0.00050; TOPMed 0.00048.
gnomAD v4.1: 143 of 1,614,196 alleles (0.0089%); highest among the groups gnomAD compares: African/African-American, 0.16%; 1 homozygote.

Submissions (2):

Labcorp Genetics (formerly Invitae), Labcorp
Classification: Likely benign. Last evaluated: 2025-03-31. Review status: criteria provided, single submitter. Criteria: Invitae Variant Classification Sherloc (09022015). Collection method: clinical testing. Allele origin: germline.

Baylor Genetics
Classification: Uncertain significance for Megalencephalic leukoencephalopathy with subcortical cysts 2A. Last evaluated: 2019-02-20. Review status: criteria provided, single submitter. Criteria: ACMG Guidelines, 2015. Collection method: clinical testing. Allele origin: unknown. Affected: yes.
Comment: This variant was determined to be of uncertain significance according to ACMG Guidelines, 2015 [PMID:25741868].

NM_152722.5(HEPACAM):c.259G>A (p.Val87Ile)

Gene: HEPACAM (hepatic and glial cell adhesion molecule; minus strand). Cytogenetic location: 11q24.2.
Variant type: single nucleotide variant.
Coding change: c.259G>A on transcript NM_152722.5 (MANE Select); coding-DNA position 259, G replaced by A.
Protein change: p.Val87Ile; replaces valine 87 with isoleucine.
Molecular consequence: missense variant.
Genome position (GRCh38, 1-based): chr11:124,924,896, C>T on the plus strand (G>A on the coding strand, the complement: HEPACAM is on the minus strand). VCF-style: chr11-124924896-C-T. GRCh37 (hg19) VCF-style: chr11-124794792-C-T.
Other names: short protein forms V87I.
Identifiers: ClinVar variation 1031210 (VCV001031210.7), dbSNP rs142346902, ClinGen allele CA6345780.